The following is an entry in ClinVar:

ClinVar aggregate classification (germline): Conflicting classifications of pathogenicity. Review status: criteria provided, conflicting classifications (1 of 4 stars). 5 submissions from 5 submitters: Uncertain significance (2); Likely benign (1). 2 of the submissions do not count toward it. Last evaluated 2025-08-04.

Conditions:
Moyamoya disease 2 (MYMY2). Also called: MOYAMOYA DISEASE 2, SUSCEPTIBILITY TO. Identifiers: Orphanet 2573, MedGen C1846689, MONDO:0011784, OMIM 607151.

Allele frequency attached by ClinVar (database versions not stated): gnomAD exomes 0.00051 and 0.00056; ExAC 0.00054; gnomAD 0.00058 and 0.00061; ESP Exome Variant Server 0.00062; TOPMed 0.00047.
gnomAD v4.1: 833 of 1,614,242 alleles (0.052%); highest among the groups gnomAD compares: Non-Finnish European, 0.055%; no homozygotes.

Submissions (5):

Labcorp Genetics (formerly Invitae), Labcorp
Classification: Likely benign. Last evaluated: 2025-08-04. Review status: criteria provided, single submitter. Criteria: Invitae Variant Classification Sherloc (09022015). Collection method: clinical testing. Allele origin: germline.

CeGaT Center for Human Genetics Tuebingen
Classification: Uncertain significance. Last evaluated: 2025-07-01. Review status: criteria provided, single submitter. Criteria: CeGaT Center For Human Genetics Tuebingen Variant Classification Criteria Version 2. Collection method: clinical testing. Allele origin: germline. Affected: yes. Observed: 1 variant allele.
Comment: RNF213: PP2

Mayo Clinic Laboratories, Mayo Clinic
Classification: Uncertain significance. Last evaluated: 2025-03-25. Review status: criteria provided, single submitter. Criteria: ACMG Guidelines, 2015. Collection method: clinical testing. Allele origin: germline. Observed: 2 variant alleles.
Comment: BS4, PS3_supporting, PS4_moderate

UMR-S1161, Institut national de la santé et de la recherche médicale
Classification: Uncertain significance for Moyamoya disease 2. Last evaluated: 2017-03-03. Review status: no assertion criteria provided. Collection method: research. Allele origin: unknown. Affected: yes. Study: Rare RNF213 variants in Caucasian moyamoya patients. Not counted in ClinVar's aggregate classification.

Department of Internal Medicine, University of Texas Health Science Center at Houston
Classification: Uncertain significance for Moyamoya disease 2. Last evaluated: 2014-09-08. Review status: no assertion criteria provided. Collection method: research. Allele origin: germline. Affected: yes. Not counted in ClinVar's aggregate classification.

Literature cited by the submitters: PubMed 25278557 (cited by Mayo Clinic Laboratories, Mayo Clinic and Department of Internal Medicine, University of Texas Health Science Center at Houston); PubMed 27736983 (cited by Mayo Clinic Laboratories, Mayo Clinic); PubMed 28635953 (cited by Mayo Clinic Laboratories, Mayo Clinic); PubMed 31170158 (cited by Mayo Clinic Laboratories, Mayo Clinic); PubMed 31603893 (cited by Mayo Clinic Laboratories, Mayo Clinic); PubMed 32139119 (cited by Mayo Clinic Laboratories, Mayo Clinic); PubMed 36411388 (cited by Mayo Clinic Laboratories, Mayo Clinic).

NM_001256071.3(RNF213):c.12055C>T (p.Arg4019Cys)

Genes: RNF213 (ring finger protein 213; plus strand), RNF213-AS1 (RNF213 antisense RNA 1; minus strand). Cytogenetic location: 17q25.3.
Variant type: single nucleotide variant.
Coding change: c.12055C>T on transcript NM_001256071.3 (MANE Select); coding-DNA position 12055, C replaced by T.
Protein change: p.Arg4019Cys; replaces arginine 4019 with cysteine.
Molecular consequence: missense variant.
Genome position (GRCh38, 1-based): chr17:80,368,043, C>T. VCF-style: chr17-80368043-C-T. GRCh37 (hg19) VCF-style: chr17-78341843-C-T.
Other names: p.Arg4019Cys; short protein forms R4019C.
Identifiers: ClinVar variation 210007 (VCV000210007.20), dbSNP rs139265462, ClinGen allele CA205023.